The following is an entry in ClinVar:

NM_014874.4(MFN2):c.748C>T (p.Arg250Trp)

Gene: MFN2 (mitofusin 2; plus strand). Cytogenetic location: 1p36.22.
Variant type: single nucleotide variant.
Coding change: c.748C>T on transcript NM_014874.4 (MANE Select); coding-DNA position 748, C replaced by T.
Protein change: p.Arg250Trp; replaces arginine 250 with tryptophan.
Molecular consequence: missense variant.
Genome position (GRCh38, 1-based): chr1:11,999,027, C>T. VCF-style: chr1-11999027-C-T. GRCh37 (hg19) VCF-style: chr1-12059084-C-T.
Other names: c.748C>T, p.Arg250Trp (NM_001127660.2); short protein forms R250W.
Identifiers: ClinVar variation 543219 (VCV000543219.54), dbSNP rs373107074, ClinGen allele CA598916.

ClinVar aggregate classification (germline): Conflicting classifications of pathogenicity. Review status: criteria provided, conflicting classifications (1 of 4 stars). 10 submissions from 10 submitters: Pathogenic (4); Likely pathogenic (3); Uncertain significance (1). 2 of the submissions do not count toward it. Last evaluated 2025-12-23.

Conditions:
Charcot-Marie-Tooth disease type 2A2. Also called: CHARCOT-MARIE-TOOTH DISEASE, AXONAL, TYPE 2A2; HEREDITARY MOTOR AND SENSORY NEUROPATHY IIA2; HMSN IIA2; Charcot-Marie-Tooth Neuropathy Type 2A2; CHARCOT-MARIE-TOOTH DISEASE, AXONAL, AUTOSOMAL DOMINANT, TYPE 2A2A; CHARCOT-MARIE-TOOTH DISEASE, NEURONAL, TYPE 2A2. Identifiers: Orphanet 99947, MedGen C4721887, MONDO:0012231, OMIM 609260.
Neuropathy, hereditary motor and sensory, type 6A (HMSN6A). Also called: HMSN VIA; CHARCOT-MARIE-TOOTH DISEASE, TYPE 6A; NEUROPATHY, HEREDITARY MOTOR AND SENSORY, TYPE VIA; NEUROPATHY, HEREDITARY MOTOR AND SENSORY, TYPE VIA, WITH OPTIC ATROPHY. Identifiers: MedGen CN305336, MONDO:0011002, OMIM 601152.
Charcot-Marie-Tooth disease, axonal, autosomal recessive, type 2a2b;. Also called: Charcot-Marie-Tooth disease, axonal, autosomal recessive, type 2A2B; Charcot-Marie-Tooth disease, axonal, type 2A2B. Identifiers: MedGen C4310725, MONDO:0014906, OMIM 617087.
MFN2-related disorder. Also called: MFN2-related condition; MFN2-related disorders.
Charcot-Marie-Tooth disease type 2. Also called: Charcot-Marie-Tooth type 2. Identifiers: Orphanet 64746, MedGen C0270914, MONDO:0018993.
Autosomal dominant and autosomal recessive MFN2-related disorders.
Charcot-Marie-Tooth disease. Also called: Charcot-Marie-Tooth Neuropathy; Charcot-Marie-Tooth Hereditary Neuropathy. Identifiers: Orphanet 166, MedGen C0007959, MONDO:0015626.

Allele frequency attached by ClinVar (database versions not stated): gnomAD 0.00001; gnomAD exomes 0.00001 and 0.00002; ExAC 0.00002; TOPMed 0.00002; ESP Exome Variant Server 0.00008.

Submissions (10):

Variantyx, Inc.
Classification: Likely pathogenic for Autosomal dominant and autosomal recessive MFN2-related disorders. Last evaluated: 2025-12-23. Review status: criteria provided, single submitter. Criteria: Variantyx Assertion Criteria 2022. Collection method: clinical testing. Allele origin: germline. Inheritance: Autosomal dominant inheritance. Affected: yes.
Comment: This is a nonsynonymous variant in the MFN2 gene (OMIM: 608507). Pathogenic variants in this gene have been associated with autosomal dominant MFN2-related disorders. This variant has been reported in the compound heterozygous state in at least 3 unrelated affected individuals (PMID: 16714318, 26306937, 28660751) (PM3). It has also been reported in the heterozygous state in at least 3 unrelated affected individuals. However, while some were observed with early onset MFN2 related disorders, others were observed with late onset or were asymptomatic at the time of testing (PMID: 26306937, 33415332, 26686600, 27862672). This variant lies within a known hotspot for pathogenic variants or a well-established critical functional domain of the MFN2 protein (PMID: 30442897, 26306937) (PM1). Multiple computational algorithms predict a deleterious effect for this variant (REVEL score: 0.884) (PP3). This variant has a 0.0022% maximum allele frequency in non-founder control populations (PM2). Based on the current evidence, this variant is classified as likely pathogenic for autosomal semidominant MFN2-related disorders.

Labcorp Genetics (formerly Invitae), Labcorp
Classification: Pathogenic for Charcot-Marie-Tooth disease type 2. Last evaluated: 2025-12-09. Review status: criteria provided, single submitter. Criteria: Invitae Variant Classification Sherloc (09022015). Collection method: clinical testing. Allele origin: germline.
Comment: This sequence change replaces arginine, which is basic and polar, with tryptophan, which is neutral and slightly polar, at codon 250 of the MFN2 protein (p.Arg250Trp). This variant is present in population databases (rs373107074, gnomAD 0.004%). This missense change has been observed in individual(s) with Charcot-Marie-Tooth disease (PMID: 16714318, 26306937, 26686600, 27862672, 28660751, 35922214). In at least one individual the data is consistent with being in trans (on the opposite chromosome) from a pathogenic variant. ClinVar contains an entry for this variant (Variation ID: 543219). Invitae Evidence Modeling of protein sequence and biophysical properties (such as structural, functional, and spatial information, amino acid conservation, physicochemical variation, residue mobility, and thermodynamic stability) has been performed for this missense variant. However, the output from this modeling did not meet the statistical confidence thresholds required to predict the impact of this variant on MFN2 protein function. For these reasons, this variant has been classified as Pathogenic.

Revvity Omics, Revvity
Classification: Pathogenic. Last evaluated: 2025-04-30. Review status: criteria provided, single submitter. Criteria: ACMG Guidelines, 2015. Collection method: clinical testing. Allele origin: germline.

3billion
Classification: Likely pathogenic for Charcot-Marie-Tooth disease, axonal, autosomal recessive, type 2a2b;. Last evaluated: 2025-04-01. Review status: criteria provided, single submitter. Criteria: ACMG Guidelines, 2015. Collection method: clinical testing. Allele origin: germline. Affected: yes.

Blueprint Genetics
Classification: Pathogenic for MFN2-related disorders. Last evaluated: 2024-01-23. Review status: criteria provided, single submitter. Criteria: ACMG Guidelines, 2015. Collection method: clinical testing. Allele origin: germline. Affected: yes. Observed: 5 variant alleles.

GeneDx
Classification: Uncertain significance. Last evaluated: 2023-12-10. Review status: criteria provided, single submitter. Criteria: GeneDx Variant Classification Process June 2021. Collection method: clinical testing. Allele origin: germline. Affected: yes.
Comment: In silico analysis supports that this missense variant has a deleterious effect on protein structure/function; Reported in either the apparent homozygous state, or with another pathogenic variant (phase unknown), in several individuals with childhood-onset MFN2-related neuropathy; Reported in the heterozygous state in two siblings and another unrelated individual with MFN2-related neuropathy (PMID: 26686600, 27862672); This variant is associated with the following publications: (PMID: 30442897, 25525159, 28660751, 33415332, 31698102, 27862672, 24863639, 16714318, 26686600, 26306937)

Kariminejad - Najmabadi Pathology & Genetics Center
Classification: Likely pathogenic for Charcot-Marie-Tooth disease type 2A2; Charcot-Marie-Tooth disease, axonal, autosomal recessive, type 2a2b;; Neuropathy, hereditary motor and sensory, type 6A. Last evaluated: 2023-04-19. Review status: criteria provided, single submitter. Criteria: ACMG Guidelines, 2015. Collection method: clinical testing. Allele origin: germline. Inheritance: Autosomal recessive inheritance. Affected: yes.
Comment: PM2-PM5-PP3-PP5-PP2

CeGaT Center for Human Genetics Tuebingen
Classification: Pathogenic. Last evaluated: 2018-06-01. Review status: criteria provided, single submitter. Criteria: CeGaT Center For Human Genetics Tuebingen Variant Classification Criteria Version 2. Collection method: clinical testing. Allele origin: germline. Affected: yes. Observed: 1 variant allele.

Genesis Genome Database
Classification: Uncertain significance for Charcot-Marie-Tooth disease. Last evaluated: 2019-08-14. Review status: no assertion criteria provided. Collection method: research. Allele origin: germline. Affected: yes. Not counted in ClinVar's aggregate classification.

Inherited Neuropathy Consortium
Classification: Uncertain significance for Charcot-Marie-Tooth disease. Review status: no assertion criteria provided. Collection method: literature only. Allele origin: germline. Affected: yes. Not counted in ClinVar's aggregate classification.

Literature cited by the submitters: PubMed 30442897 (cited by Variantyx, Inc.); PubMed 26306937 (cited by 3 submitters); PubMed 16714318 (cited by 4 submitters); PubMed 28660751 (cited by Variantyx, Inc. and Labcorp Genetics (formerly Invitae), Labcorp); PubMed 26686600 (cited by Labcorp Genetics (formerly Invitae), Labcorp); PubMed 27862672 (cited by Labcorp Genetics (formerly Invitae), Labcorp); PubMed 35922214 (cited by Labcorp Genetics (formerly Invitae), Labcorp).